The following is an entry in ClinVar:

ClinVar aggregate classification (germline): Uncertain significance (1 of 4 stars; one submission).

Submission:

Labcorp Genetics (formerly Invitae), Labcorp
Classification: Uncertain significance. Last evaluated: 2022-08-12. Review status: criteria provided, single submitter. Criteria: Invitae Variant Classification Sherloc (09022015). Collection method: clinical testing. Allele origin: germline.
Comment: In summary, the available evidence is currently insufficient to determine the role of this variant in disease. Therefore, it has been classified as a Variant of Uncertain Significance. Algorithms developed to predict the effect of missense changes on protein structure and function are either unavailable or do not agree on the potential impact of this missense change (SIFT: "Deleterious"; PolyPhen-2: "Not Available"; Align-GVGD: "Class C0"). This variant has not been reported in the literature in individuals affected with ARID1B-related conditions. This variant is not present in population databases (gnomAD no frequency). This sequence change replaces glycine, which is neutral and non-polar, with arginine, which is basic and polar, at codon 325 of the ARID1B protein (p.Gly325Arg).

NM_001374828.1(ARID1B):c.1222G>A (p.Gly408Arg)

Gene: ARID1B (AT-rich interaction domain 1B; plus strand). Cytogenetic location: 6q25.3.
Variant type: single nucleotide variant.
Coding change: c.1222G>A on transcript NM_001374828.1 (MANE Select); coding-DNA position 1222, G replaced by A.
Protein change: p.Gly408Arg; replaces glycine 408 with arginine.
Molecular consequence: missense variant.
Genome position (GRCh38, 1-based): chr6:156,778,902, G>A. VCF-style: chr6-156778902-G-A. GRCh37 (hg19) VCF-style: chr6-157100036-G-A.
Other names: c.973G>A, p.Gly325Arg (NM_001346813.1, NM_020732.3); c.1222G>A, p.Gly408Arg (NM_001371656.1, NM_001374820.1, NM_017519.3); c.799G>A, p.Gly267Arg (NM_175863.2); short protein forms G267R, G325R, G408R.
Identifiers: ClinVar variation 2095549 (VCV002095549.4), dbSNP rs2114989675, ClinGen allele CA366383588.
Genomic context (GRCh38, chr6:156,778,902, plus strand): 5'-GGCGCGGGCGGCGGCGGCGGCGGCGGCGGCGGAGGAGGAGGAGGCAGCGGAGGAGGAGGA[G>A]GAGGAGGAGGAGCAGGAGCAGGAGGAGCAGGAGCGGGAGCTGTGGCGGCGGCGGCCGCGG-3'
Protein context (NP_001361757.1, residues 398-418): GGGGGSGGGG[Gly408Arg]GGGAGAGGAG